The following is an entry in ClinVar:

ClinVar aggregate classification (germline): Uncertain significance (1 of 4 stars; one submission).

Conditions:
Intellectual disability. Also called: Intellectual functioning disability; Intellectual developmental disorder; intellectual disabilities. Identifiers: MedGen C3714756, MeSH D008607, MONDO:0001071, HP:0001249.

Allele frequency attached by ClinVar (database versions not stated): gnomAD 0.00001; gnomAD exomes 0.00002 and 0.00007; ExAC 0.00006; ESP Exome Variant Server 0.00008; TOPMed 0.00006.
gnomAD v4.1: 37 of 1,594,780 alleles (0.0023%); highest among the groups gnomAD compares: East Asian, 0.047%; no homozygotes.

Submission:

Labcorp Genetics (formerly Invitae), Labcorp
Classification: Uncertain significance for Intellectual disability. Last evaluated: 2024-09-01. Review status: criteria provided, single submitter. Criteria: Invitae Variant Classification Sherloc (09022015). Collection method: clinical testing. Allele origin: germline.
Comment: This sequence change replaces valine, which is neutral and non-polar, with methionine, which is neutral and non-polar, at codon 4 of the GABRB2 protein (p.Val4Met). The frequency data for this variant in the population databases is considered unreliable, as metrics indicate poor data quality at this position in the gnomAD database. This variant has not been reported in the literature in individuals affected with GABRB2-related conditions. ClinVar contains an entry for this variant (Variation ID: 1411663). Invitae Evidence Modeling of protein sequence and biophysical properties (such as structural, functional, and spatial information, amino acid conservation, physicochemical variation, residue mobility, and thermodynamic stability) indicates that this missense variant is not expected to disrupt GABRB2 protein function with a negative predictive value of 95%. In summary, the available evidence is currently insufficient to determine the role of this variant in disease. Therefore, it has been classified as a Variant of Uncertain Significance.

NM_001371727.1(GABRB2):c.10G>A (p.Val4Met)

Gene: GABRB2 (gamma-aminobutyric acid type A receptor subunit beta2; minus strand). Cytogenetic location: 5q34.
Variant type: single nucleotide variant.
Coding change: c.10G>A on transcript NM_001371727.1 (MANE Select); coding-DNA position 10, G replaced by A.
Protein change: p.Val4Met; replaces valine 4 with methionine.
Molecular consequence: missense variant.
Genome position (GRCh38, 1-based): chr5:161,546,634, C>T on the plus strand (G>A on the coding strand, the complement: GABRB2 is on the minus strand). VCF-style: chr5-161546634-C-T. GRCh37 (hg19) VCF-style: chr5-160973640-C-T.
Other names: c.10G>A, p.Val4Met (NM_000813.3, NM_021911.3); short protein forms V4M.
Identifiers: ClinVar variation 1411663 (VCV001411663.6), dbSNP rs368787045, ClinGen allele CA3543702.